The following is an entry in ClinVar:

ClinVar aggregate classification (germline): Uncertain significance (1 of 4 stars; one submission).

Conditions:
Glycogen storage disease type III (GSD3). Also called: Cori disease; FORBES DISEASE. Identifiers: Orphanet 366, MedGen C0017922, MONDO:0009291, OMIM 232400.

Submission:

Labcorp Genetics (formerly Invitae), Labcorp
Classification: Uncertain significance for Glycogen storage disease type III. Last evaluated: 2019-08-12. Review status: criteria provided, single submitter. Criteria: Invitae Variant Classification Sherloc (09022015). Collection method: clinical testing. Allele origin: germline.
Comment: This sequence change falls in intron 27 of the AGL gene. It does not directly change the encoded amino acid sequence of the AGL protein, but it affects a nucleotide within the consensus splice site of the intron. This variant is not present in population databases (ExAC no frequency). This variant has not been reported in the literature in individuals with AGL-related conditions. Nucleotide substitutions within the consensus splice site are a relatively common cause of aberrant splicing (PMID: 17576681, 9536098). Algorithms developed to predict the effect of sequence changes on RNA splicing suggest that this variant may disrupt the consensus splice site, but this prediction has not been confirmed by published transcriptional studies. In summary, the available evidence is currently insufficient to determine the role of this variant in disease. Therefore, it has been classified as a Variant of Uncertain Significance.

Literature cited by the submitters: PubMed 17576681; PubMed 9536098.

NM_000642.3(AGL):c.3700+6G>A

Gene: AGL (amylo-alpha-1,6-glucosidase and 4-alpha-glucanotransferase; plus strand). Cytogenetic location: 1p21.2.
Variant type: single nucleotide variant.
Coding change: c.3700+6G>A on transcript NM_000642.3 (MANE Select); 6 bases into the intron after coding-DNA position 3700, G replaced by A.
Molecular consequence: intron variant.
Genome position (GRCh38, 1-based): chr1:99,902,800, G>A. VCF-style: chr1-99902800-G-A. GRCh37 (hg19) VCF-style: chr1-100368356-G-A.
Other names: c.3700+6G>A (NM_000643.3, NM_000644.3, NM_001425325.1 and 1 more transcripts); c.3652+6G>A (NM_000646.3); c.3679+6G>A (NM_001425326.1); c.3499+6G>A (NM_001425327.1); c.3496+6G>A (NM_001425328.1); c.3361+6G>A (NM_001425329.1); c.3322+6G>A (NM_001425332.1).
Identifiers: ClinVar variation 958730 (VCV000958730.10), dbSNP rs1653947633, ClinGen allele CA645538196.